The following is an entry in ClinVar:

ClinVar aggregate classification (germline): Pathogenic/Likely pathogenic. Review status: criteria provided, multiple submitters, no conflicts (2 of 4 stars). 3 submissions from 3 submitters: Pathogenic (1); Likely pathogenic (1). 1 of the submissions does not count toward it. Last evaluated 2025-02-20.

Conditions:
Primary hyperoxaluria, type I (HP1). Also called: GLYCOLIC ACIDURIA; HEPATIC AGT DEFICIENCY; OXALOSIS I; Primary hyperoxaluria type 1. Identifiers: Orphanet 416, Orphanet 93598, MedGen C0268164, MONDO:0009823, OMIM 259900. Disease mechanism: loss of function.

Submissions (3):

Victorian Clinical Genetics Services, Murdoch Childrens Research Institute
Classification: Pathogenic for Primary hyperoxaluria, type I. Last evaluated: 2025-02-20. Review status: criteria provided, single submitter. Criteria: ACMG Guidelines, 2015. Collection method: clinical testing. Allele origin: germline. Affected: yes.
Comment: This variant is classified as Pathogenic. Evidence in support of pathogenic classification: Variant is present in gnomAD <0.01 for a recessive condition (v4: 2 heterozygote(s), 0 homozygote(s)) ; This variant has strong previous evidence of pathogenicity in unrelated individuals. This variant has been reported in the literature in a homozygous state in multiple individuals with primary hyperoxaluria. Phenotypes ranged from nephrocalcinosis to early onset end stage renal disease requiring transplant in childhood (PMIDs: 36185032, 25629080, 31152479, 35678848). Additional information: Variant is predicted to result in amino acid changes from cysteine and histidine to tryptophan and asparagine. - This variant is heterozygous; This gene is associated with autosomal recessive disease; No published segregation evidence has been identified for this variant; No published functional evidence has been identified for this variant; Variant is located in the annotated aminotransferase class-V domain (DECIPHER); Loss of function is a known mechanism of disease in this gene and is associated with primary hyperoxaluria type 1 (MIM#259900); Variants in this gene are known to have variable expressivity (PMID: 20301460).

Fulgent Genetics
Classification: Likely pathogenic for Primary hyperoxaluria, type I. Last evaluated: 2024-06-03. Review status: criteria provided, single submitter. Criteria: ACMG Guidelines, 2015. Collection method: clinical testing. Allele origin: germline.

Clinical Biochemistry Laboratory, Health Services Laboratory
Classification: Pathogenic for Primary hyperoxaluria, type I. Last evaluated: 2014-11-27. Review status: no assertion criteria provided. Collection method: in vitro. Allele origin: germline. Affected: yes. Not counted in ClinVar's aggregate classification.

Literature cited by the submitters: PubMed 25629080 (cited by Victorian Clinical Genetics Services, Murdoch Childrens Research Institute); PubMed 35678848 (cited by Victorian Clinical Genetics Services, Murdoch Childrens Research Institute); PubMed 20301460 (cited by Victorian Clinical Genetics Services, Murdoch Childrens Research Institute); PubMed 36185032 (cited by Victorian Clinical Genetics Services, Murdoch Childrens Research Institute); PubMed 31152479 (cited by Victorian Clinical Genetics Services, Murdoch Childrens Research Institute).

NM_000030.3(AGXT):c.519_520delinsGA (p.Cys173_His174delinsTrpAsn)

Gene: AGXT (alanine--glyoxylate aminotransferase; plus strand). Cytogenetic location: 2q37.3.
Variant type: Indel.
Coding change: c.519_520delinsGA on transcript NM_000030.3 (MANE Select); coding-DNA positions 519 to 520, CC replaced by GA.
Protein change: p.Cys173_His174delinsTrpAsn.
Molecular consequence: missense variant.
Genome position (GRCh38, 1-based): chr2:240,871,444-240,871,445, CC replaced by GA. VCF-style: chr2-240871444-CC-GA. GRCh37 (hg19) VCF-style: chr2-241810861-CC-GA.
Identifiers: ClinVar variation 204188 (VCV000204188.5), dbSNP rs180177233, ClinGen allele CA275831.